The following is an entry in ClinVar:

ClinVar aggregate classification (germline): Likely pathogenic (1 of 4 stars; one submission).

Conditions:
Autosomal recessive nonsyndromic hearing loss 8 (DFNB8). Also called: NEUROSENSORY NONSYNDROMIC RECESSIVE DEAFNESS 8; Deafness, autosomal recessive 10. Identifiers: Orphanet 90636, MedGen C1832827, MONDO:0010987, OMIM 601072.

Submission:

Institute of Rare Diseases, West China Hospital, Sichuan University
Classification: Likely pathogenic for Autosomal recessive nonsyndromic hearing loss 8. Last evaluated: 2025-01-09. Review status: criteria provided, single submitter. Criteria: ClinGen HL ACMG Specifications v1. Collection method: research. Allele origin: germline. Affected: yes.
Comment: PVS1;PM2_Supporting

NM_001256317.3(TMPRSS3):c.1206dup (p.Pro403fs)

Gene: TMPRSS3 (transmembrane serine protease 3; minus strand). Cytogenetic location: 21q22.3.
Variant type: Duplication.
Coding change: c.1206dup on transcript NM_001256317.3 (MANE Select); coding-DNA position 1206, one base duplicated (G; older notation c.1206dupG).
Protein change: p.Pro403fs; shifts the reading frame from proline 403.
Molecular consequence: frameshift variant.
Genome position (GRCh38, 1-based): chr21:42,375,854, C duplicated on the plus strand (G on the coding strand, the reverse complement: TMPRSS3 is on the minus strand); the first of 6 consecutive C bases (chr21:42,375,854-42,375,859); duplicating any one gives the same sequence. VCF-style (leftmost placement, unchanged base first): chr21-42375853-G-GC. GRCh37 (hg19) VCF-style: chr21-43795962-G-GC.
Other names: c.1209dup, p.Pro404fs (NM_024022.4); c.828dup, p.Pro277fs (NM_032404.3); short protein forms P277fs, P403fs, P404fs.
Identifiers: ClinVar variation 3601932 (VCV003601932.1).